The following is an entry in ClinVar:

ClinVar aggregate classification (germline): Uncertain significance (1 of 4 stars; one submission).

Conditions:
Alport syndrome 3b, autosomal recessive. Identifiers: MedGen C5882699, MONDO:0957811, OMIM 620536.

Submission:

3billion
Classification: Uncertain significance for Alport syndrome 3b, autosomal recessive. Last evaluated: 2025-12-08. Review status: criteria provided, single submitter. Criteria: ACMG Guidelines, 2015. Collection method: clinical testing. Allele origin: germline. Affected: yes.
Comment: The variant is not observed in the gnomAD v4.1.0 dataset. Predicted Consequence/Location: Missense variant In silico tool predictions suggest damaging effect of the variant on gene or gene product [REVEL: 0.90 (>=0.6, sensitivity 0.68 and specificity 0.92)]. Therefore, this variant is classified as VUS according to the recommendation of ACMG/AMP guideline.

NM_000091.5(COL4A3):c.4640G>A (p.Arg1547Lys)

Genes: COL4A3 (collagen type IV alpha 3 chain; plus strand), MFF-DT (MFF divergent transcript; minus strand). Cytogenetic location: 2q36.3.
Variant type: single nucleotide variant.
Coding change: c.4640G>A on transcript NM_000091.5 (MANE Select); coding-DNA position 4640, G replaced by A.
Protein change: p.Arg1547Lys; replaces arginine 1547 with lysine.
Molecular consequence: missense variant.
Genome position (GRCh38, 1-based): chr2:227,309,076, G>A. VCF-style: chr2-227309076-G-A. GRCh37 (hg19) VCF-style: chr2-228173792-G-A.
Other names: short protein forms R1547K.
Identifiers: ClinVar variation 4853895 (VCV004853895.1).
Genomic context (GRCh38, chr2:227,309,076, plus strand): 5'-CTCTGATGCCAATGAACATGGCTCCCATTACTGGCAGAGCCCTTGAGCCTTATATAAGCA[G>A]GTAAAAATCCAATCCCCTAGTTTTACAATGGGACCAAGTGAATCACTTCCCTTGTAATGG-3'
Protein context (NP_000082.2, residues 1537-1557): TGRALEPYIS[Arg1547Lys]CTVCEGPAIA